The following is an entry in ClinVar:

ClinVar aggregate classification (germline): Uncertain significance. Review status: criteria provided, multiple submitters, no conflicts (2 of 4 stars). 2 submissions from 2 submitters: Uncertain significance (2). Last evaluated 2026-06-24.

Conditions:
CDH23-related disorder. Also called: CDH23-related condition; CDH23-related disorders.

gnomAD v4.1: 26 of 1,613,732 alleles (0.0016%); highest among the groups gnomAD compares: Non-Finnish European, 0.0019%; no homozygotes.

Submissions (2):

PreventionGenetics, part of Exact Sciences
Classification: Uncertain significance for CDH23-related condition. Last evaluated: 2026-06-24. Review status: criteria provided, single submitter. Criteria: ACMG Guidelines, 2015. Collection method: clinical testing. Allele origin: germline.
Comment: The CDH23 c.3598G>T variant is predicted to result in the amino acid substitution p.Asp1200Tyr. This variant was reported in compound heterozygous state with another variant of uncertain significance in an individual with non-syndromic sensorineural hearing loss (Table S1, Peart et al. 2023. PubMed ID: 37996878). This variant is reported in 0.00078% of alleles in individuals of European (Non-Finnish) descent in gnomAD. At this time, the clinical significance of this variant is uncertain due to the absence of conclusive functional and genetic evidence.

Blueprint Genetics
Classification: Uncertain significance. Last evaluated: 2022-10-28. Review status: criteria provided, single submitter. Criteria: ACMG Guidelines, 2015. Collection method: clinical testing. Allele origin: germline.

NM_022124.6(CDH23):c.3598G>T (p.Asp1200Tyr)

Genes: C10orf105 (chromosome 10 open reading frame 105; minus strand), CDH23 (cadherin related 23; plus strand). Cytogenetic location: 10q22.1.
Variant type: single nucleotide variant.
Coding change: c.3598G>T on transcript NM_022124.6 (MANE Select); coding-DNA position 3598, G replaced by T.
Protein change: p.Asp1200Tyr; replaces aspartic acid 1200 with tyrosine.
Molecular consequence: missense variant. On other transcripts: intron variant (1).
Genome position (GRCh38, 1-based): chr10:71,730,487, G>T. VCF-style: chr10-71730487-G-T. GRCh37 (hg19) VCF-style: chr10-73490244-G-T.
Other names: c.3598G>T, p.Asp1200Tyr (NM_001171930.2); c.-6+7241C>A (NM_001168390.2); short protein forms D1200Y.
Identifiers: ClinVar variation 4907854 (VCV004907854.2).